The following is an entry in ClinVar:

ClinVar aggregate classification (germline): Uncertain significance (1 of 4 stars; one submission).

Conditions:
Catecholaminergic polymorphic ventricular tachycardia 1. Also called: RYR2-Related Catecholaminergic Polymorphic Ventricular Tachycardia; VENTRICULAR TACHYCARDIA, CATECHOLAMINERGIC POLYMORPHIC, 1, WITH OR WITHOUT ATRIAL DYSFUNCTION AND/OR DILATED CARDIOMYOPATHY; VENTRICULAR TACHYCARDIA, STRESS-INDUCED POLYMORPHIC 1. Identifiers: Orphanet 3286, MedGen C1631597, MONDO:0011484, OMIM 604772.

gnomAD v4.1: 1 of 1,613,906 alleles (0.000062%); highest among the groups gnomAD compares: Non-Finnish European, 0.000085%; no homozygotes.

Submission:

Labcorp Genetics (formerly Invitae), Labcorp
Classification: Uncertain significance for Catecholaminergic polymorphic ventricular tachycardia 1. Last evaluated: 2021-06-27. Review status: criteria provided, single submitter. Criteria: Invitae Variant Classification Sherloc (09022015). Collection method: clinical testing. Allele origin: germline.
Comment: This variant has been observed in individual(s) with clinical features of RYR2-related conditions (Invitae). Advanced modeling of protein sequence and biophysical properties (such as structural, functional, and spatial information, amino acid conservation, physicochemical variation, residue mobility, and thermodynamic stability) performed at Invitae indicates that this missense variant is expected to disrupt RYR2 protein function. In summary, the available evidence is currently insufficient to determine the role of this variant in disease. Therefore, it has been classified as a Variant of Uncertain Significance. This variant is not present in population databases (ExAC no frequency). This sequence change replaces leucine with proline at codon 2344 of the RYR2 protein (p.Leu2344Pro). The leucine residue is highly conserved and there is a moderate physicochemical difference between leucine and proline.

NM_001035.3(RYR2):c.7031T>C (p.Leu2344Pro)

Gene: RYR2 (ryanodine receptor 2; plus strand). Cytogenetic location: 1q43.
Variant type: single nucleotide variant.
Coding change: c.7031T>C on transcript NM_001035.3 (MANE Select); coding-DNA position 7031, T replaced by C.
Protein change: p.Leu2344Pro; replaces leucine 2344 with proline.
Molecular consequence: missense variant.
Genome position (GRCh38, 1-based): chr1:237,639,117, T>C. VCF-style: chr1-237639117-T-C. GRCh37 (hg19) VCF-style: chr1-237802417-T-C.
Other names: short protein forms L2344P.
Identifiers: ClinVar variation 1361802 (VCV001361802.9), dbSNP rs2148728162, ClinGen allele CA345395940.